The following is an entry in ClinVar:

ClinVar aggregate classification (germline): Conflicting classifications of pathogenicity. Review status: criteria provided, conflicting classifications (1 of 4 stars). 5 submissions from 5 submitters: Uncertain significance (4); Likely benign (1). Last evaluated 2026-06-22.

Conditions:
IFT172-related disorder. Also called: IFT172-related condition; IFT172-related disorders.
Retinitis pigmentosa 71 (RP71). Identifiers: Orphanet 791, MedGen C4225342, MONDO:0014618, OMIM 616394.
Short-rib thoracic dysplasia 10 with or without polydactyly (SRTD10). Identifiers: Orphanet 474, MedGen C3810175, MONDO:0014284, OMIM 615630.
Retinal dystrophy. Also called: Inherited retinal dystrophy. Identifiers: Orphanet 71862, MedGen C0854723, MeSH D058499, MONDO:0019118, HP:0000556.
Anophthalmia-microphthalmia syndrome. Also called: Anophthalmia - microphthalmia; Anophthalmia/Microphthalmia. Identifiers: Orphanet 98555, MedGen C5680330, MONDO:0020147.

Allele frequency attached by ClinVar (database versions not stated): gnomAD exomes 0.00003 and 0.00004; TOPMed 0.00003; gnomAD 0.00004 and 0.00005; ExAC 0.00006; ESP Exome Variant Server 0.00008.
gnomAD v4.1: 72 of 1,614,134 alleles (0.0045%); highest among the groups gnomAD compares: Middle Eastern, 0.033%; no homozygotes.

Submissions (5):

PreventionGenetics, part of Exact Sciences
Classification: Uncertain significance for IFT172-related condition. Last evaluated: 2026-06-22. Review status: criteria provided, single submitter. Criteria: ACMG Guidelines, 2015. Collection method: clinical testing. Allele origin: germline.
Comment: The IFT172 c.3880C>T variant is predicted to result in the amino acid substitution p.Arg1294Cys. To our knowledge, this variant has not been reported in the literature. This variant is reported in 0.0096% of alleles in individuals of Ashkenazi Jewish descent in gnomAD. At this time, the clinical significance of this variant is uncertain due to the absence of conclusive functional and genetic evidence.

Dept Of Ophthalmology, Nagoya University
Classification: Uncertain significance for Retinal dystrophy. Last evaluated: 2023-10-01. Review status: criteria provided, single submitter. Criteria: Submitter's publication. Collection method: research. Allele origin: germline. Affected: yes.

Labcorp Genetics (formerly Invitae), Labcorp
Classification: Uncertain significance for Retinitis pigmentosa 71; Short-rib thoracic dysplasia 10 with or without polydactyly. Last evaluated: 2022-07-16. Review status: criteria provided, single submitter. Criteria: Invitae Variant Classification Sherloc (09022015). Collection method: clinical testing. Allele origin: germline.
Comment: In summary, the available evidence is currently insufficient to determine the role of this variant in disease. Therefore, it has been classified as a Variant of Uncertain Significance. Algorithms developed to predict the effect of missense changes on protein structure and function are either unavailable or do not agree on the potential impact of this missense change (SIFT: "Deleterious"; PolyPhen-2: "Possibly Damaging"; Align-GVGD: "Class C0"). ClinVar contains an entry for this variant (Variation ID: 221925). This variant has not been reported in the literature in individuals affected with IFT172-related conditions. This variant is present in population databases (rs369191459, gnomAD 0.007%). This sequence change replaces arginine, which is basic and polar, with cysteine, which is neutral and slightly polar, at codon 1294 of the IFT172 protein (p.Arg1294Cys).

Blueprint Genetics
Classification: Uncertain significance. Last evaluated: 2020-02-18. Review status: criteria provided, single submitter. Criteria: ACMG Guidelines, 2015. Collection method: clinical testing. Allele origin: germline.

Paul Sabatier University EA-4555, Paul Sabatier University
Classification: Likely benign. Last evaluated: 2013-01-01. Review status: criteria provided, single submitter. Criteria: Chassaing et al. (Genome Res. 2016). Collection method: clinical testing. Allele origin: unknown. Affected: yes. Observed: 1 heterozygote.

NM_015662.3(IFT172):c.3880C>T (p.Arg1294Cys)

Genes: IFT172 (intraflagellar transport 172; minus strand), LOC126806173 (BRD4-independent group 4 enhancer GRCh37_chr2:27676057-27677256; plus strand). Cytogenetic location: 2p23.3.
Variant type: single nucleotide variant.
Coding change: c.3880C>T on transcript NM_015662.3 (MANE Select); coding-DNA position 3880, C replaced by T.
Protein change: p.Arg1294Cys; replaces arginine 1294 with cysteine.
Molecular consequence: missense variant.
Genome position (GRCh38, 1-based): chr2:27,453,455, G>A on the plus strand (C>T on the coding strand, the complement: IFT172 is on the minus strand). VCF-style: chr2-27453455-G-A. GRCh37 (hg19) VCF-style: chr2-27676322-G-A.
Other names: short protein forms R1294C.
Identifiers: ClinVar variation 221925 (VCV000221925.10), dbSNP rs369191459, ClinGen allele CA072574.